The following is an entry in ClinVar:

NM_001267550.2(TTN):c.39115A>C (p.Thr13039Pro)

Gene: TTN (titin; minus strand). Cytogenetic location: 2q31.2.
Variant type: single nucleotide variant.
Coding change: c.39115A>C on transcript NM_001267550.2 (MANE Select); coding-DNA position 39115, A replaced by C.
Protein change: p.Thr13039Pro; replaces threonine 13039 with proline.
Molecular consequence: missense variant. On other transcripts: intron variant (3).
Genome position (GRCh38, 1-based): chr2:178,652,470, T>G on the plus strand (A>C on the coding strand, the complement: TTN is on the minus strand). VCF-style: chr2-178652470-T-G. GRCh37 (hg19) VCF-style: chr2-179517197-T-G.
Other names: p.T11532P:ACA>CCA; c.34594A>C, p.Thr11532Pro (NM_001256850.1); c.31813A>C, p.Thr10605Pro (NM_133378.4); c.13283-10153A>C (NM_003319.4); c.13859-10153A>C (NM_133437.4); c.13658-10153A>C (NM_133432.3); short protein forms T11532P, T13039P, T10605P.
Identifiers: ClinVar variation 202600 (VCV000202600.12), dbSNP rs766921440, ClinGen allele CA309712.

ClinVar aggregate classification (germline): Uncertain significance. Review status: criteria provided, multiple submitters, no conflicts (2 of 4 stars). 5 submissions from 5 submitters: Uncertain significance (4). 1 of the submissions does not count toward it. Last evaluated 2026-02-14.

Conditions:
TTN-related disorder. Also called: TTN-related condition; TTN-related disease; TTN-related disorders.
Dilated cardiomyopathy 1G (CMD1G). Identifiers: Orphanet 154, MedGen C1858763, MONDO:0011400, OMIM 604145.
Autosomal recessive limb-girdle muscular dystrophy type 2J (LGMDR10). Also called: Limb-girdle muscular dystrophy, type 2J; MUSCULAR DYSTROPHY, LIMB-GIRDLE, AUTOSOMAL RECESSIVE 10. Identifiers: Orphanet 140922, MedGen C1837342, MONDO:0012127, OMIM 608807.
Tip-toe gait. Also called: Toe walking. Identifiers: MedGen C0427144, HP:0030051.

Allele frequency attached by ClinVar (database versions not stated): gnomAD exomes below 0.00001 and 0.00001; ExAC 0.00001; gnomAD 0.00002.
gnomAD v4.1: 9 of 1,612,540 alleles (0.00056%); highest among the groups gnomAD compares: African/African-American, 0.0067%; no homozygotes.

Submissions (5):

PreventionGenetics, part of Exact Sciences
Classification: Uncertain significance for TTN-related condition. Last evaluated: 2026-02-14. Review status: criteria provided, single submitter. Criteria: ACMG Guidelines, 2015. Collection method: clinical testing. Allele origin: germline.
Comment: The TTN c.39115A>C variant is predicted to result in the amino acid substitution p.Thr13039Pro. To our knowledge, this variant has not been reported in the literature. This variant is reported in 0.013% of alleles in individuals of African descent in gnomAD. At this time, the clinical significance of this variant is uncertain due to the absence of conclusive functional and genetic evidence.

Eurofins Ntd Llc (ga)
Classification: Uncertain significance. Last evaluated: 2018-08-17. Review status: criteria provided, single submitter. Criteria: EGL ClinVar v180209 classification definitions. Collection method: clinical testing. Allele origin: germline. Observed: 1 variant allele, 1 heterozygote.

Labcorp Genetics (formerly Invitae), Labcorp
Classification: Uncertain significance for Dilated cardiomyopathy 1G; Autosomal recessive limb-girdle muscular dystrophy type 2J. Last evaluated: 2017-12-21. Review status: criteria provided, single submitter. Criteria: Invitae Variant Classification Sherloc (09022015). Collection method: clinical testing. Allele origin: germline.

GeneDx
Classification: Uncertain significance. Last evaluated: 2015-11-03. Review status: criteria provided, single submitter. Criteria: GeneDx Variant Classification (06012015). Collection method: clinical testing. Allele origin: germline. Affected: yes.
Comment: Missense variants in the TTN gene are considered 'unclassified' if they are not previously reported in the literature and do not have >1% frequency in the population to be considered a polymorphism. Research indicates that truncating mutations in the TTN gene are expected to account for approximately 25% of familial and 18% of sporadic idiopathic DCM; however, truncating variants in the TTN gene have been reported in approximately 3% of reported control alleles. There has been little investigation into non-truncating variants. (Herman D et al. Truncations of titin causing dilated cardiomyopathy. N Eng J Med 366:619-628, 2012) The variant is found in DCM-CRDM panel(s).

Practice for Gait Abnormalities, David Pomarino, Competency Network Toe Walking C/o Practice Pomarino
Classification: Likely pathogenic for Tip-toe gait. Review status: no assertion criteria provided. Collection method: clinical testing. Allele origin: germline. Affected: yes. Not counted in ClinVar's aggregate classification.
Comment: Myopathy refers to diseases that affect skeletal Muscles. These diseases attack muscle fibers, making muscles weak. Inherited myopathies are often caused by inheriting an abnormal gene mutation from a parent that causes the disease. Symptoms of congenital myopathies usually start at birth or in early childhood, but may not appear until the teen years or even later in adulthood. Congenital myopathies are somewhat unique compared with other inherited myopathies, as weakness typically affects all muscles and is often not progressive. Symptoms are: Muscle weakness, most commonly of upper arms and shoulders and thighs, muscle cramps, stiffness and spasms, fatigue with exertion and lack of energy. Our patients all walk on tiptoe, so they show similar symptoms. When we genetically test them with our toe walking panel, we find that around 90 per cent of them have a genetic variant that explains their toe walking. These can be assigned, for example, to the area of myopathies (such as variants of the COL6A3 gene), the area of hereditary neuropathies (such as variants of the KMT2C gene) or the area of metabolic diseases (such as variants of the PYGM gene). In a smaller group of patients with almost identical symptoms, no abnormality is found in the genes of our panel, but spastic paraplegia can be detected. In another small group of our toe walkers, no abnormalities can be detected in the genes analysed in our toe walking panel, nor do they suffer from spastic paraplegia, as is also the case with healthy children. In contrast to these, however, they show a tiptoe gait. These patients suffer from infantile cerebral palsy, in which toe walking can also be observed.

Literature cited by the submitters: PubMed 37091313 (cited by Practice for Gait Abnormalities, David Pomarino, Competency Network Toe Walking C/o Practice Pomarino).